The following is an entry in ClinVar:

NM_144997.7(FLCN):c.618+6T>G

Gene: FLCN (folliculin; minus strand). Cytogenetic location: 17p11.2.
Variant type: single nucleotide variant.
Coding change: c.618+6T>G on transcript NM_144997.7 (MANE Select); 6 bases into the intron after coding-DNA position 618, T replaced by G.
Molecular consequence: intron variant.
Genome position (GRCh38, 1-based): chr17:17,223,916, A>C on the plus strand (T>G on the coding strand, the complement: FLCN is on the minus strand). VCF-style: chr17-17223916-A-C. GRCh37 (hg19) VCF-style: chr17-17127230-A-C.
Other names: c.618+6T>G (NM_001353231.2, NM_001353230.2, NM_144606.7); c.672+6T>G (NM_001353229.2).
Identifiers: ClinVar variation 4715424 (VCV004715424.1).

ClinVar aggregate classification (germline): Uncertain significance (1 of 4 stars; one submission).

Conditions:
Birt-Hogg-Dube syndrome. Also called: Birt Hogg Dubé syndrome. Identifiers: Orphanet 122, MedGen C0346010, MONDO:0800444.

Submission:

Labcorp Genetics (formerly Invitae), Labcorp
Classification: Uncertain significance for Birt-Hogg-Dube syndrome. Last evaluated: 2025-03-19. Review status: criteria provided, single submitter. Criteria: Invitae Variant Classification Sherloc (09022015). Collection method: clinical testing. Allele origin: germline.
Comment: This sequence change falls in intron 6 of the FLCN gene. It does not directly change the encoded amino acid sequence of the FLCN protein. It affects a nucleotide within the consensus splice site. This variant is not present in population databases (gnomAD no frequency). This variant has not been reported in the literature in individuals affected with FLCN-related conditions. Variants that disrupt the consensus splice site are a relatively common cause of aberrant splicing (PMID: 17576681, 9536098). Algorithms developed to predict the effect of sequence changes on RNA splicing suggest that this variant is not likely to affect RNA splicing. In summary, the available evidence is currently insufficient to determine the role of this variant in disease. Therefore, it has been classified as a Variant of Uncertain Significance.

Literature cited by the submitters: PubMed 17576681; PubMed 9536098.